The following is an entry in ClinVar:

NM_000535.7(PMS2):c.2185C>A (p.Leu729Ile)

Gene: PMS2 (PMS1 homolog 2, mismatch repair system component; minus strand). Cytogenetic location: 7p22.1.
Variant type: single nucleotide variant.
Coding change: c.2185C>A on transcript NM_000535.7 (MANE Select); coding-DNA position 2185, C replaced by A.
Protein change: p.Leu729Ile; replaces leucine 729 with isoleucine.
Molecular consequence: missense variant. On other transcripts: non-coding transcript variant (1).
Genome position (GRCh38, 1-based): chr7:5,978,686, G>T on the plus strand (C>A on the coding strand, the complement: PMS2 is on the minus strand). VCF-style: chr7-5978686-G-T. GRCh37 (hg19) VCF-style: chr7-6018317-G-T.
Other names: c.1612C>A, p.Leu538Ile (NM_001406909.1, NM_001322013.2, NM_001406908.1); c.1414C>A, p.Leu472Ile (NM_001406911.1); c.982C>A, p.Leu328Ile (NM_001406912.1); c.1780C>A, p.Leu594Ile (NM_001018040.1, NM_001322003.2, NM_001322004.2 and 15 more transcripts); c.2029C>A, p.Leu677Ile (NM_001322006.2, NM_001406870.1); c.1867C>A, p.Leu623Ile (NM_001322007.2, NM_001322008.2, NM_001406876.1 and 1 more transcripts); c.1624C>A, p.Leu542Ile (NM_001322010.2, NM_001406906.1, NM_001406907.1); c.1252C>A, p.Leu418Ile (NM_001322011.2, NM_001322012.2); and 14 more; short protein forms L542I, L328I, L472I, L558I, L594I, L621I, L623I, L729I.
Identifiers: ClinVar variation 1787322 (VCV001787322.2), dbSNP rs1554294503, ClinGen allele CA366736954.

ClinVar aggregate classification (germline): Uncertain significance (1 of 4 stars; one submission).

Conditions:
Hereditary cancer-predisposing syndrome. Also called: Neoplastic Syndromes, Hereditary; Tumor predisposition; Hereditary Cancer Syndrome; Hereditary neoplastic syndrome. Identifiers: Orphanet 140162, MedGen C0027672, MeSH D009386, MONDO:0015356.

Submission:

Ambry Genetics
Classification: Uncertain significance for Hereditary cancer-predisposing syndrome. Last evaluated: 2018-12-29. Review status: criteria provided, single submitter. Criteria: Ambry Variant Classification Scheme 2023. Collection method: clinical testing. Allele origin: germline.
Comment: The p.L729I variant (also known as c.2185C>A), located in coding exon 13 of the PMS2 gene, results from a C to A substitution at nucleotide position 2185. The leucine at codon 729 is replaced by isoleucine, an amino acid with highly similar properties. This amino acid position is highly conserved in available vertebrate species. In addition, the in silico prediction for this alteration is inconclusive. Since supporting evidence is limited at this time, the clinical significance of this alteration remains unclear.